The following is an entry in ClinVar:

ClinVar aggregate classification (germline): Pathogenic (1 of 4 stars; one submission).

Conditions:
Primary ciliary dyskinesia 9. Also called: CILIARY DYSKINESIA, PRIMARY, 9, WITH OR WITHOUT SITUS INVERSUS. Identifiers: Orphanet 244, MedGen C2676235, MONDO:0012906, OMIM 612444.

Submission:

Myriad Genetics, Inc.
Classification: Pathogenic for Primary ciliary dyskinesia 9. Last evaluated: 2024-02-29. Review status: criteria provided, single submitter. Criteria: Myriad Autosomal Dominant, Autosomal Recessive and X-Linked Classification Criteria (2023). Collection method: clinical testing. Allele origin: unknown.
Comment: NM_023036.4(DNAI2):c.149dupG(I51Hfs*18) is expected to be pathogenic in the context of primary ciliary dyskinesia, DNAI2-related. This variant is predicted to lead to an abnormal or absent protein product due to the creation of a premature termination codon in DNAI2, a gene where loss-of-function variants are known to be pathogenic. Please note: this variant was assessed in the context of healthy population screening.

NM_023036.6(DNAI2):c.149dup (p.Ile51fs)

Gene: DNAI2 (dynein axonemal intermediate chain 2; plus strand). Cytogenetic location: 17q25.1.
Variant type: Duplication.
Coding change: c.149dup on transcript NM_023036.6 (MANE Select); coding-DNA position 149, one base duplicated (G; older notation c.149dupG).
Protein change: p.Ile51fs; shifts the reading frame from isoleucine 51.
Molecular consequence: frameshift variant. On other transcripts: non-coding transcript variant (1).
Genome position (GRCh38, 1-based): chr17:74,281,966, G duplicated; the last of 3 consecutive G bases (chr17:74,281,964-74,281,966); duplicating any one gives the same sequence. VCF-style (leftmost placement, unchanged base first): chr17-74281963-C-CG. GRCh37 (hg19) VCF-style: chr17-72278102-C-CG.
Other names: c.149dup, p.Ile51fs (NM_001172810.3, NM_001353167.2); short protein forms I51fs.
Identifiers: ClinVar variation 5012787 (VCV005012787.1).